The following is an entry in ClinVar:

NM_000214.3(JAG1):c.544C>T (p.Gln182Ter)

Gene: JAG1 (jagged canonical Notch ligand 1; minus strand). Cytogenetic location: 20p12.2.
Variant type: single nucleotide variant.
Coding change: c.544C>T on transcript NM_000214.3 (MANE Select); coding-DNA position 544, C replaced by T.
Protein change: p.Gln182Ter; replaces glutamine 182 with a stop codon.
Molecular consequence: nonsense.
Genome position (GRCh38, 1-based): chr20:10,658,618, G>A on the plus strand (C>T on the coding strand, the complement: JAG1 is on the minus strand). VCF-style: chr20-10658618-G-A. GRCh37 (hg19) VCF-style: chr20-10639266-G-A.
Other names: c.544C>T, p.Gln182Ter (LRG_1191t1); short protein forms Q182*.
Identifiers: ClinVar variation 213565 (VCV000213565.2), dbSNP rs863223678, ClinGen allele CA320391.

ClinVar aggregate classification (germline): Pathogenic (1 of 4 stars; one submission).

Submission:

GeneDx
Classification: Pathogenic. Last evaluated: 2015-06-18. Review status: criteria provided, single submitter. Criteria: GeneDx Variant Classification (06012015). Collection method: clinical testing. Allele origin: germline. Affected: yes.
Comment: The Q182X nonsense mutation in the JAG1 gene is predicted to cause loss of normal protein function either through protein truncation or nonsense-mediated mRNA decay. The Q182X mutation was not observed in approximately 6,000 individuals of European and African American ancestry in the NHLBI Exome Sequencing Project, indicating it is not a common benign variant in these populations. This variant was found in JAG1-T1